The following is an entry in ClinVar:

NM_014336.5(AIPL1):c.772C>G (p.Arg258Gly)

Gene: AIPL1 (AIP like 1 HSP90 co-chaperone; minus strand). Cytogenetic location: 17p13.2.
Variant type: single nucleotide variant.
Coding change: c.772C>G on transcript NM_014336.5 (MANE Select); coding-DNA position 772, C replaced by G.
Protein change: p.Arg258Gly; replaces arginine 258 with glycine.
Molecular consequence: missense variant.
Genome position (GRCh38, 1-based): chr17:6,426,627, G>C on the plus strand (C>G on the coding strand, the complement: AIPL1 is on the minus strand). VCF-style: chr17-6426627-G-C. GRCh37 (hg19) VCF-style: chr17-6329947-G-C.
Other names: c.583C>G, p.Arg195Gly (NM_001033054.3); c.592C>G, p.Arg198Gly (NM_001033055.3); c.736C>G, p.Arg246Gly (NM_001285399.3); c.706C>G, p.Arg236Gly (NM_001285400.3); c.700C>G, p.Arg234Gly (NM_001285401.3); c.655C>G, p.Arg219Gly (NM_001285402.2); c.748C>G, p.Arg250Gly (NM_001285403.4); short protein forms R195G, R198G, R219G, R234G, R236G, R246G, R250G, R258G.
Identifiers: ClinVar variation 1026996 (VCV001026996.7), dbSNP rs540875983, ClinGen allele CA397395020.

ClinVar aggregate classification (germline): Uncertain significance (1 of 4 stars; one submission).

Conditions:
Leber congenital amaurosis 4 (LCA4). Identifiers: MedGen C1858386, MONDO:0011458, OMIM 604393.

Allele frequency attached by ClinVar (database versions not stated): gnomAD 0.00001; TOPMed 0.00001.
gnomAD v4.1: 4 of 1,613,890 alleles (0.00025%); highest among the groups gnomAD compares: Non-Finnish European, 0.00034%; no homozygotes.

Submission:

Labcorp Genetics (formerly Invitae), Labcorp
Classification: Uncertain significance for Leber congenital amaurosis 4. Last evaluated: 2025-04-16. Review status: criteria provided, single submitter. Criteria: Invitae Variant Classification Sherloc (09022015). Collection method: clinical testing. Allele origin: germline.
Comment: This sequence change replaces arginine, which is basic and polar, with glycine, which is neutral and non-polar, at codon 258 of the AIPL1 protein (p.Arg258Gly). This variant is not present in population databases (gnomAD no frequency). This variant has not been reported in the literature in individuals affected with AIPL1-related conditions. ClinVar contains an entry for this variant (Variation ID: 1026996). Invitae Evidence Modeling of protein sequence and biophysical properties (such as structural, functional, and spatial information, amino acid conservation, physicochemical variation, residue mobility, and thermodynamic stability) indicates that this missense variant is not expected to disrupt AIPL1 protein function with a negative predictive value of 95%. This variant disrupts the p.Arg258 amino acid residue in AIPL1. Other variant(s) that disrupt this residue have been determined to be pathogenic (PMID: 24426771). This suggests that this residue is clinically significant, and that variants that disrupt this residue are likely to be disease-causing. In summary, the available evidence is currently insufficient to determine the role of this variant in disease. Therefore, it has been classified as a Variant of Uncertain Significance.

Literature cited by the submitters: PubMed 24426771.